The following is an entry in ClinVar:

ClinVar aggregate classification (germline): Uncertain significance (1 of 4 stars; one submission).

Allele frequency attached by ClinVar (database versions not stated): TOPMed below 0.00001; gnomAD 0.00001.
gnomAD v4.1: 13 of 1,482,330 alleles (0.00088%); highest among the groups gnomAD compares: Non-Finnish European, 0.0012%; no homozygotes.

Submission:

Labcorp Genetics (formerly Invitae), Labcorp
Classification: Uncertain significance. Last evaluated: 2020-11-16. Review status: criteria provided, single submitter. Criteria: Invitae Variant Classification Sherloc (09022015). Collection method: clinical testing. Allele origin: germline.
Comment: This sequence change replaces tyrosine with phenylalanine at codon 124 of the HMX1 protein (p.Tyr124Phe). The tyrosine residue is moderately conserved and there is a small physicochemical difference between tyrosine and phenylalanine. The frequency data for this variant in the population databases is considered unreliable, as metrics indicate insufficient coverage at this position in the ExAC database. This variant has not been reported in the literature in individuals with HMX1-related conditions. Algorithms developed to predict the effect of missense changes on protein structure and function (SIFT, PolyPhen-2, Align-GVGD) all suggest that this variant is likely to be tolerated, but these predictions have not been confirmed by published functional studies and their clinical significance is uncertain. In summary, the available evidence is currently insufficient to determine the role of this variant in disease. Therefore, it has been classified as a Variant of Uncertain Significance.

NM_018942.3(HMX1):c.371A>T (p.Tyr124Phe)

Gene: HMX1 (H6 family homeobox 1; minus strand). Cytogenetic location: 4p16.1.
Variant type: single nucleotide variant.
Coding change: c.371A>T on transcript NM_018942.3 (MANE Select); coding-DNA position 371, A replaced by T.
Protein change: p.Tyr124Phe; replaces tyrosine 124 with phenylalanine.
Molecular consequence: missense variant.
Genome position (GRCh38, 1-based): chr4:8,871,244, T>A on the plus strand (A>T on the coding strand, the complement: HMX1 is on the minus strand). VCF-style: chr4-8871244-T-A. GRCh37 (hg19) VCF-style: chr4-8872970-T-A.
Other names: c.371A>T, p.Tyr124Phe (NM_001306142.2); short protein forms Y124F.
Identifiers: ClinVar variation 998689 (VCV000998689.8), dbSNP rs980730304, ClinGen allele CA92350217.